The following is an entry in ClinVar:

ClinVar aggregate classification (germline): Uncertain significance (1 of 4 stars; one submission).

Conditions:
Cardiovascular phenotype. Identifiers: MedGen CN230736.

Submission:

Ambry Genetics
Classification: Uncertain significance for Cardiovascular phenotype. Last evaluated: 2023-05-13. Review status: criteria provided, single submitter. Criteria: Ambry Variant Classification Scheme 2023. Collection method: clinical testing. Allele origin: germline.
Comment: The p.V1246F variant (also known as c.3736G>T), located in coding exon 31 of the ANK2 gene, results from a G to T substitution at nucleotide position 3736. The valine at codon 1246 is replaced by phenylalanine, an amino acid with highly similar properties. This amino acid position is conserved. In addition, this alteration is predicted to be tolerated by in silico analysis. Since supporting evidence is limited at this time, the clinical significance of this alteration remains unclear.

NM_001148.6(ANK2):c.3736G>T (p.Val1246Phe)

Gene: ANK2 (ankyrin 2; plus strand). Cytogenetic location: 4q26.
Variant type: single nucleotide variant.
Coding change: c.3736G>T on transcript NM_001148.6 (MANE Select); coding-DNA position 3736, G replaced by T.
Protein change: p.Val1246Phe; replaces valine 1246 with phenylalanine.
Molecular consequence: missense variant.
Genome position (GRCh38, 1-based): chr4:113,336,721, G>T. VCF-style: chr4-113336721-G-T. GRCh37 (hg19) VCF-style: chr4-114257877-G-T.
Other names: c.3709G>T, p.Val1237Phe (NM_001127493.3); c.3748G>T, p.Val1250Phe (NM_001354225.2); c.3637G>T, p.Val1213Phe (NM_001354228.2, NM_001354258.2); c.3715G>T, p.Val1239Phe (NM_001354230.2); c.3778G>T, p.Val1260Phe (NM_001354231.2, NM_001354242.2); c.3772G>T, p.Val1258Phe (NM_001354232.2); c.3733G>T, p.Val1245Phe (NM_001354235.2, NM_001354246.2, NM_001354265.2); c.3634G>T, p.Val1212Phe (NM_001354236.2); and 31 more; short protein forms V1184F, V1191F, V1199F, V1225F, V1237F, V1265F, V429F, V46F.
Identifiers: ClinVar variation 2565313 (VCV002565313.2), dbSNP rs2503205100, ClinGen allele CA357938737.
Genomic context (GRCh38, chr4:113,336,721, plus strand): 5'-AGAAGAAAATTCCACAAACCAATTACCATGACCATTCCTGTCCCCAAAGCTTCAAGTGAT[G>T]TCATGTTGAATGGTTTTGGGGGAGATGCACCAACCTTAAGATTACTATGCAGCATAACAG-3'
Protein context (NP_001139.3, residues 1236-1256): TIPVPKASSD[Val1246Phe]MLNGFGGDAP